The following is an entry in ClinVar:

NM_006767.4(LZTR1):c.1831del (p.Gln610_Val611insTer)

Gene: LZTR1 (leucine zipper like post translational regulator 1; plus strand). Cytogenetic location: 22q11.21.
Variant type: Deletion.
Coding change: c.1831del on transcript NM_006767.4 (MANE Select); coding-DNA position 1831, one base deleted (G; older notation c.1831delG).
Protein change: p.Gln610_Val611insTer.
Molecular consequence: nonsense.
Genome position (GRCh38, 1-based): chr22:20,994,915, G deleted; the last of 2 consecutive G bases (chr22:20,994,914-20,994,915); deleting either gives the same sequence. VCF-style (leftmost placement, unchanged base first): chr22-20994913-AG-A. GRCh37 (hg19) VCF-style: chr22-21349202-AG-A.
Identifiers: ClinVar variation 4537470 (VCV004537470.1).

ClinVar aggregate classification (germline): Pathogenic (1 of 4 stars; one submission).

Conditions:
Pigmentary skin disorders.

Submission:

Genetics Laboratory, Great Ormond Street Hospital NHS Foundation Trust, North Thames Genomic Laboratory Hub
Classification: Pathogenic for Pigmentary skin disorders. Last evaluated: 2025-10-16. Review status: criteria provided, single submitter. Criteria: ACGS Best Practice Guidelines for Variant Classification in Rare Disease 2024 v1.2. Collection method: clinical testing. Allele origin: germline. Affected: yes.
Comment: PM2_moderate, PVS1_very-strong